The following is an entry in ClinVar:

NM_015443.4(KANSL1):c.2705C>G (p.Pro902Arg)

Gene: KANSL1 (KAT8 regulatory NSL complex subunit 1). Cytogenetic location: 17q21.31.
Variant type: single nucleotide variant.
Coding change: c.2705C>G on transcript NM_015443.4 (MANE Select); coding-DNA position 2705, C replaced by G.
Protein change: p.Pro902Arg; replaces proline 902 with arginine.
Molecular consequence: missense variant.
Genome position (GRCh38, 1-based): chr17:46,033,422, G>C on the plus strand (C>G on the coding strand, the complement: KANSL1 is on the minus strand). VCF-style: chr17-46033422-G-C. GRCh37 (hg19) VCF-style: chr17-44110788-G-C.
Other names: c.2603C>G, p.Pro868Arg (NM_001405860.1, NM_001405859.1); c.2600C>G, p.Pro867Arg (NM_001405861.1, NM_001405881.1); c.2705C>G, p.Pro902Arg (NM_001405872.1, NM_001405873.1, NM_001405874.1 and 4 more transcripts); c.2516C>G, p.Pro839Arg (NM_001405875.1, NM_001405876.1, NM_001405877.1 and 1 more transcripts); c.2513C>G, p.Pro838Arg (NM_001405879.1, NM_001405880.1); c.2702C>G, p.Pro901Arg (NM_001193465.2, NM_001405856.1, NM_001405857.1 and 1 more transcripts); c.1439C>G, p.Pro480Arg (NM_001405882.1); c.1436C>G, p.Pro479Arg (NM_001405883.1); and 2 more; short protein forms P838R, P867R, P868R, P479R, P839R, P416R, P417R, P480R.
Identifiers: ClinVar variation 2090635 (VCV002090635.4), dbSNP rs2510393528, ClinGen allele CA399988584.

ClinVar aggregate classification (germline): Uncertain significance (1 of 4 stars; one submission).

Conditions:
Koolen-de Vries syndrome (KDVS). Identifiers: Orphanet 96169, MedGen C1864871, MONDO:0012496, OMIM 610443.

Submission:

Labcorp Genetics (formerly Invitae), Labcorp
Classification: Uncertain significance for Koolen-de Vries syndrome. Last evaluated: 2022-10-25. Review status: criteria provided, single submitter. Criteria: Invitae Variant Classification Sherloc (09022015). Collection method: clinical testing. Allele origin: germline.
Comment: This sequence change replaces proline, which is neutral and non-polar, with arginine, which is basic and polar, at codon 902 of the KANSL1 protein (p.Pro902Arg). This variant is not present in population databases (gnomAD no frequency). This variant has not been reported in the literature in individuals affected with KANSL1-related conditions. Advanced modeling of protein sequence and biophysical properties (such as structural, functional, and spatial information, amino acid conservation, physicochemical variation, residue mobility, and thermodynamic stability) performed at Invitae indicates that this missense variant is not expected to disrupt KANSL1 protein function. In summary, the available evidence is currently insufficient to determine the role of this variant in disease. Therefore, it has been classified as a Variant of Uncertain Significance.